The following is an entry in ClinVar:

NM_152564.5(VPS13B):c.4545del (p.Ser1516fs)

Gene: VPS13B (vacuolar protein sorting 13 homolog B; plus strand). Cytogenetic location: 8q22.2.
Variant type: Deletion.
Coding change: c.4545del on transcript NM_152564.5 (MANE Select); coding-DNA position 4545, one base deleted (A; older notation c.4545delA).
Protein change: p.Ser1516fs; shifts the reading frame from serine 1516.
Molecular consequence: frameshift variant.
Genome position (GRCh38, 1-based): chr8:99,511,424, A deleted. VCF-style (leftmost placement, unchanged base first): chr8-99511423-CA-C. GRCh37 (hg19) VCF-style: chr8-100523651-CA-C.
Other names: c.4620del, p.Ser1541fs (NM_017890.5); c.4620delA (NM_017890.4); short protein forms S1516fs, S1541fs.
Identifiers: ClinVar variation 374163 (VCV000374163.5), dbSNP rs1057518939, ClinGen allele CA16043435.

ClinVar aggregate classification (germline): Pathogenic/Likely pathogenic. Review status: criteria provided, multiple submitters, no conflicts (2 of 4 stars). 3 submissions from 2 submitters: Pathogenic (2); Likely pathogenic (1). Last evaluated 2024-06-13.

Conditions:
Cohen syndrome (COH1). Also called: PEPPER SYNDROME; Cutis verticis gyrata, retinitis pigmentosa, and sensorineural deafness. Identifiers: Orphanet 193, MedGen C0265223, MONDO:0008999, OMIM 216550.
Short stature. Identifiers: MedGen C0349588, HP:0004322.
Retinal dystrophy. Also called: Inherited retinal dystrophy. Identifiers: Orphanet 71862, MedGen C0854723, MeSH D058499, MONDO:0019118, HP:0000556.
Microcephaly. Also called: Microcephaly (disease). Identifiers: MedGen C4551563, MONDO:0001149, HP:0000252.
Short foot. Identifiers: MedGen C1848673, HP:0001773.
Decreased total neutrophil count. Also called: Neutropenia. Identifiers: MedGen C0853697, MONDO:0001475, HP:0001875.
Intellectual disability. Also called: Intellectual developmental disorder; Intellectual functioning disability; intellectual disabilities. Identifiers: MedGen C3714756, MeSH D008607, MONDO:0001071, HP:0001249.
Progressive visual loss. Identifiers: MedGen C1839364, HP:0000529.
Small hand. Also called: Small hands. Identifiers: MedGen C0575802, HP:0200055.
Recurrent aphthous stomatitis. Also called: Canker sore. Identifiers: MedGen C2937365, MONDO:0005318, HP:0011107.

Submissions (3):

Natera, Inc.
Classification: Likely pathogenic for Cohen syndrome. Last evaluated: 2024-06-13. Review status: criteria provided, single submitter. Criteria: Natera Variant Classification Schema (03/2026). Collection method: clinical testing. Allele origin: germline.
Comment: The c.4620delA variant in VPS13B is a frameshift variant predicted to shift the reading frame beginning at codon 1541 and leads to a stop codon 6 codons downstream. This variant is expected to result in nonsense mediated decay, truncation, or a dysfunctional protein product. This variant is rare in the general population with a frequency below the threshold expected for the associated phenotype(s). Given the available evidence, this variant is classified as Likely Pathogenic.

Centre for Mendelian Genomics, University Medical Centre Ljubljana
Classification: Pathogenic for Cohen syndrome. Last evaluated: 2016-01-01. Review status: criteria provided, single submitter. Criteria: ACMG Guidelines, 2015. Collection method: clinical testing. Allele origin: unknown. Affected: yes.
Comment: This variant was classified as: Pathogenic.

Centre for Mendelian Genomics, University Medical Centre Ljubljana
Classification: Pathogenic for Intellectual disability; Microcephaly; Decreased total neutrophil count; Progressive visual loss; Recurrent aphthous stomatitis; Retinal dystrophy; Short foot; Short stature; Small hand. Last evaluated: 2014-11-07. Review status: criteria provided, single submitter. Criteria: ACMG Guidelines, 2015. Collection method: clinical testing. Allele origin: unknown. Affected: yes.